The following is an entry in ClinVar:

NM_032444.4(SLX4):c.4288A>G (p.Met1430Val)

Gene: SLX4 (SLX4 structure-specific endonuclease subunit; minus strand). Cytogenetic location: 16p13.3.
Variant type: single nucleotide variant.
Coding change: c.4288A>G on transcript NM_032444.4 (MANE Select); coding-DNA position 4288, A replaced by G.
Protein change: p.Met1430Val; replaces methionine 1430 with valine.
Molecular consequence: missense variant.
Genome position (GRCh38, 1-based): chr16:3,589,350, T>C on the plus strand (A>G on the coding strand, the complement: SLX4 is on the minus strand). VCF-style: chr16-3589350-T-C. GRCh37 (hg19) VCF-style: chr16-3639351-T-C.
Other names: short protein forms M1430V.
Identifiers: ClinVar variation 1965126 (VCV001965126.5), dbSNP rs769920493, ClinGen allele CA7865693.

ClinVar aggregate classification (germline): Uncertain significance (1 of 4 stars; one submission).

Conditions:
Fanconi anemia (FA). Also called: Fanconi's anemia. Identifiers: Orphanet 84, MedGen C0015625, MeSH D005199, MONDO:0019391.

Allele frequency attached by ClinVar (database versions not stated): gnomAD exomes below 0.00001; ExAC 0.00001.

Submission:

Labcorp Genetics (formerly Invitae), Labcorp
Classification: Uncertain significance for Fanconi anemia. Last evaluated: 2022-07-11. Review status: criteria provided, single submitter. Criteria: Invitae Variant Classification Sherloc (09022015). Collection method: clinical testing. Allele origin: germline.
Comment: This variant has not been reported in the literature in individuals affected with SLX4-related conditions. This variant is present in population databases (rs769920493, gnomAD 0.004%). This sequence change replaces methionine, which is neutral and non-polar, with valine, which is neutral and non-polar, at codon 1430 of the SLX4 protein (p.Met1430Val). Algorithms developed to predict the effect of missense changes on protein structure and function output the following: SIFT: "Tolerated"; PolyPhen-2: "Benign"; Align-GVGD: "Class C0". The valine amino acid residue is found in multiple mammalian species, which suggests that this missense change does not adversely affect protein function. In summary, the available evidence is currently insufficient to determine the role of this variant in disease. Therefore, it has been classified as a Variant of Uncertain Significance.